The following is an entry in ClinVar:

ClinVar aggregate classification (germline): Likely benign. Review status: criteria provided, multiple submitters, no conflicts (2 of 4 stars). 2 submissions from 2 submitters: Likely benign (2). Last evaluated 2025-12-28.

Allele frequency attached by ClinVar (database versions not stated): ExAC 0.00001; TOPMed 0.00001; gnomAD 0.00002; gnomAD exomes 0.00002.
gnomAD v4.1: 38 of 1,588,654 alleles (0.0024%); highest among the groups gnomAD compares: Non-Finnish European, 0.0029%; no homozygotes.

Submissions (2):

Labcorp Genetics (formerly Invitae), Labcorp
Classification: Likely benign. Last evaluated: 2025-12-28. Review status: criteria provided, single submitter. Criteria: Invitae Variant Classification Sherloc (09022015). Collection method: clinical testing. Allele origin: germline.

CeGaT Center for Human Genetics Tuebingen
Classification: Likely benign. Last evaluated: 2025-06-01. Review status: criteria provided, single submitter. Criteria: CeGaT Center For Human Genetics Tuebingen Variant Classification Criteria Version 2. Collection method: clinical testing. Allele origin: germline. Affected: yes. Observed: 1 variant allele.
Comment: PDHX: BP4, BP7

NM_003477.3(PDHX):c.1233A>G (p.Gln411=)

Gene: PDHX (pyruvate dehydrogenase complex component X; plus strand). Cytogenetic location: 11p13.
Variant type: single nucleotide variant.
Coding change: c.1233A>G on transcript NM_003477.3 (MANE Select); coding-DNA position 1233, A replaced by G.
Protein change: p.Gln411=; no amino-acid change (glutamine 411 retained).
Molecular consequence: synonymous variant.
Genome position (GRCh38, 1-based): chr11:34,992,365, A>G. VCF-style: chr11-34992365-A-G. GRCh37 (hg19) VCF-style: chr11-35013912-A-G.
Other names: c.1053A>G, p.Gln351= (NM_001135024.2); c.552A>G, p.Gln184= (NM_001166158.2).
Identifiers: ClinVar variation 2061876 (VCV002061876.12), dbSNP rs779835379, ClinGen allele CA5946138.